The following is an entry in ClinVar:

ClinVar aggregate classification (germline): Likely benign. Review status: criteria provided, multiple submitters, no conflicts (2 of 4 stars). 3 submissions from 3 submitters: Likely benign (3). Last evaluated 2026-03-01.

Conditions:
Autosomal recessive ataxia, Beauce type. Also called: SYNE1 Deficiency; SYNE1-Related Autosomal Recessive Cerebellar Ataxia; ATAXIA, RECESSIVE, OF BEAUCE; Spinocerebellar ataxia, autosomal recessive 8. Identifiers: Orphanet 88644, MedGen C1853116, MONDO:0012549, OMIM 610743.
Emery-Dreifuss muscular dystrophy 4, autosomal dominant (EDMD4). Also called: EMERY-DREIFUSS MUSCULAR DYSTROPHY 4 WITH VARIABLE FEATURES. Identifiers: Orphanet 261, MedGen C2751807, MONDO:0013071, OMIM 612998.

Allele frequency attached by ClinVar (database versions not stated): TOPMed 0.00001.
gnomAD v4.1: 10 of 1,613,776 alleles (0.00062%); highest among the groups gnomAD compares: Non-Finnish European, 0.00085%; no homozygotes.

Submissions (3):

CeGaT Center for Human Genetics Tuebingen
Classification: Likely benign. Last evaluated: 2026-03-01. Review status: criteria provided, single submitter. Criteria: CeGaT Center For Human Genetics Tuebingen Variant Classification Criteria Version 2. Collection method: clinical testing. Allele origin: germline. Affected: yes. Observed: 1 variant allele.
Comment: SYNE1: BP4, BP7

Labcorp Genetics (formerly Invitae), Labcorp
Classification: Likely benign for Emery-Dreifuss muscular dystrophy 4, autosomal dominant; Autosomal recessive ataxia, Beauce type. Last evaluated: 2025-05-21. Review status: criteria provided, single submitter. Criteria: Invitae Variant Classification Sherloc (09022015). Collection method: clinical testing. Allele origin: germline.

Athena Diagnostics
Classification: Likely benign. Last evaluated: 2019-11-05. Review status: criteria provided, single submitter. Criteria: Athena Diagnostics Criteria. Collection method: clinical testing. Allele origin: unknown.

NM_182961.4(SYNE1):c.12573C>A (p.Thr4191=)

Gene: SYNE1 (spectrin repeat containing nuclear envelope protein 1; minus strand). Cytogenetic location: 6q25.2.
Variant type: single nucleotide variant.
Coding change: c.12573C>A on transcript NM_182961.4 (MANE Select); coding-DNA position 12573, C replaced by A.
Protein change: p.Thr4191=; no amino-acid change (threonine 4191 retained).
Molecular consequence: synonymous variant.
Genome position (GRCh38, 1-based): chr6:152,334,229, G>T on the plus strand (C>A on the coding strand, the complement: SYNE1 is on the minus strand). VCF-style: chr6-152334229-G-T. GRCh37 (hg19) VCF-style: chr6-152655364-G-T.
Other names: c.12360C>A, p.Thr4120= (NM_033071.5).
Identifiers: ClinVar variation 994798 (VCV000994798.12), dbSNP rs143851739, ClinGen allele CA4056357.